The following is an entry in ClinVar:

ClinVar aggregate classification (germline): Benign/Likely benign. Review status: criteria provided, multiple submitters, no conflicts (2 of 4 stars). 5 submissions from 5 submitters: Benign (1); Likely benign (3). 1 of the submissions does not count toward it. Last evaluated 2026-02-04.

Conditions:
Nemaline myopathy 2 (NEM2). Also called: Nemaline myopathy 2, autosomal recessive. Identifiers: MedGen C1850569, MONDO:0009725, OMIM 256030.

Allele frequency attached by ClinVar (database versions not stated): gnomAD exomes 0.07088.

Submissions (5):

Labcorp Genetics (formerly Invitae), Labcorp
Classification: Benign for Nemaline myopathy 2. Last evaluated: 2026-02-04. Review status: criteria provided, single submitter. Criteria: Invitae Variant Classification Sherloc (09022015). Collection method: clinical testing. Allele origin: germline.

GeneDx
Classification: Likely benign. Last evaluated: 2021-05-12. Review status: criteria provided, single submitter. Criteria: GeneDx Variant Classification Process June 2021. Collection method: clinical testing. Allele origin: germline. Affected: yes.

Laboratory for Molecular Medicine, Mass General Brigham Personalized Medicine
Classification: Likely benign. Last evaluated: 2014-12-19. Review status: criteria provided, single submitter. Criteria: LMM Criteria. Collection method: clinical testing. Allele origin: germline. Observed: 11 variant alleles.
Comment: NEB exons 82-105 are organized in three repetitive blocks of 8 exons each and be cause these blocks are nearly identical in sequence, homologous exons (e.g., exo ns 89, 97, and 105) are co-amplified and sequenced (each amplicon consists of 6 alleles). This variant represents a nonhomologous position within the three repe titive blocks (c.13721A, c.15179A, and c.16637G) and is categorized as "Likely B enign" (even though it does not meet LMM criteria) to prevent Sanger follow-up o f this nonhomologous position.

PreventionGenetics, part of Exact Sciences
Classification: Likely benign. Review status: criteria provided, single submitter. Criteria: ACMG Guidelines, 2015. Collection method: clinical testing. Allele origin: germline.

Natera, Inc.
Classification: Benign for Nemaline myopathy type 2. Last evaluated: 2019-08-28. Review status: no assertion criteria provided. Collection method: clinical testing. Allele origin: germline. Not counted in ClinVar's aggregate classification.

NM_001164508.2(NEB):c.13721A>G (p.His4574Arg)

Gene: NEB (nebulin; minus strand). Cytogenetic location: 2q23.3.
Variant type: single nucleotide variant.
Coding change: c.13721A>G on transcript NM_001164508.2 (MANE Select); coding-DNA position 13721, A replaced by G.
Protein change: p.His4574Arg; replaces histidine 4574 with arginine.
Molecular consequence: missense variant. On other transcripts: intron variant (1).
Genome position (GRCh38, 1-based): chr2:151,600,509, T>C on the plus strand (A>G on the coding strand, the complement: NEB is on the minus strand). VCF-style: chr2-151600509-T-C. GRCh37 (hg19) VCF-style: chr2-152457023-T-C.
Other names: c.13721A>G, p.His4574Arg (NM_001164507.2, NM_001271208.2); c.11601+9300A>G (NM_004543.5); short protein forms H4574R.
Identifiers: ClinVar variation 227730 (VCV000227730.11), dbSNP rs876657542, ClinGen allele CA10576438.